The following is an entry in ClinVar:

NM_000059.4(BRCA2):c.4892A>T (p.Lys1631Ile)

Gene: BRCA2 (BRCA2 DNA repair associated; plus strand). Cytogenetic location: 13q13.1.
Variant type: single nucleotide variant.
Coding change: c.4892A>T on transcript NM_000059.4 (MANE Select); coding-DNA position 4892, A replaced by T.
Protein change: p.Lys1631Ile; replaces lysine 1631 with isoleucine.
Molecular consequence: missense variant.
Genome position (GRCh38, 1-based): chr13:32,339,247, A>T. VCF-style: chr13-32339247-A-T. GRCh37 (hg19) VCF-style: chr13-32913384-A-T.
Other names: short protein forms K1631I.
Identifiers: ClinVar variation 141204 (VCV000141204.10), dbSNP rs587781573, ClinGen allele CA020958.
Genomic context (GRCh38, chr13:32,339,247, plus strand): 5'-TGCCACCTAAGCTCTTAAGTGATAATTTATGTAGACAAACTGAAAATCTCAAAACATCAA[A>T]AAGTATCTTTTTGAAAGTTAAAGTACATGAAAATGTAGAAAAAGAAACAGCAAAAAGTCC-3'
Protein context (NP_000050.3, residues 1621-1641): CRQTENLKTS[Lys1631Ile]SIFLKVKVHE

ClinVar aggregate classification (germline): Conflicting classifications of pathogenicity. Review status: criteria provided, conflicting classifications (1 of 4 stars). 3 submissions from 3 submitters: Uncertain significance (2); Likely benign (1). Last evaluated 2023-08-16.

Conditions:
Hereditary cancer-predisposing syndrome. Also called: Neoplastic Syndromes, Hereditary; Tumor predisposition; Hereditary Cancer Syndrome; Hereditary neoplastic syndrome. Identifiers: Orphanet 140162, MedGen C0027672, MeSH D009386, MONDO:0015356.
Hereditary breast ovarian cancer syndrome. Also called: Breast and ovarian cancer; Hereditary breast and ovarian cancer; Hereditary breast and/or ovarian cancer syndrome; BRCA1- and BRCA2-Associated Hereditary Breast and Ovarian Cancer; Hereditary breast and ovarian cancer syndrome; Hereditary breast and ovarian cancer syndrome (HBOC). Identifiers: Orphanet 145, MedGen C0677776, MeSH D061325, MONDO:0003582. Disease mechanism: loss of function.

Submissions (3):

Labcorp Genetics (formerly Invitae), Labcorp
Classification: Uncertain significance for Hereditary breast ovarian cancer syndrome. Last evaluated: 2023-08-16. Review status: criteria provided, single submitter. Criteria: Invitae Variant Classification Sherloc (09022015). Collection method: clinical testing. Allele origin: germline.
Comment: In summary, the available evidence is currently insufficient to determine the role of this variant in disease. Therefore, it has been classified as a Variant of Uncertain Significance. Advanced modeling of protein sequence and biophysical properties (such as structural, functional, and spatial information, amino acid conservation, physicochemical variation, residue mobility, and thermodynamic stability) performed at Invitae indicates that this missense variant is not expected to disrupt BRCA2 protein function. ClinVar contains an entry for this variant (Variation ID: 141204). This variant has not been reported in the literature in individuals affected with BRCA2-related conditions. This variant is not present in population databases (gnomAD no frequency). This sequence change replaces lysine, which is basic and polar, with isoleucine, which is neutral and non-polar, at codon 1631 of the BRCA2 protein (p.Lys1631Ile).

University of Washington Department of Laboratory Medicine, University of Washington
Classification: Likely benign for Hereditary cancer-predisposing syndrome. Last evaluated: 2023-03-23. Review status: criteria provided, single submitter. Criteria: Dines et al. (Genet Med. 2020). Collection method: curation. Allele origin: germline.
Comment: Missense variant in a coldspot region where missense variants are very unlikely to be pathogenic (PMID:31911673).

BRCA2 exon 11 coldspot. Reclassification based on statistical prior probability.

Ambry Genetics
Classification: Uncertain significance for Hereditary cancer-predisposing syndrome. Last evaluated: 2020-11-25. Review status: criteria provided, single submitter. Criteria: Ambry Variant Classification Scheme 2023. Collection method: clinical testing. Allele origin: germline.
Comment: The p.K1631I variant (also known as c.4892A>T), located in coding exon 10 of the BRCA2 gene, results from an A to T substitution at nucleotide position 4892. The lysine at codon 1631 is replaced by isoleucine, an amino acid with dissimilar properties. This amino acid position is not conserved in available vertebrate species from marmoset down. In addition, this alteration is predicted to be tolerated by in silico analysis. Since supporting evidence is limited at this time, the clinical significance of this alteration remains unclear.